The following is an entry in ClinVar:

ClinVar aggregate classification (germline): Pathogenic/Likely pathogenic. Review status: criteria provided, multiple submitters, no conflicts (2 of 4 stars). 3 submissions from 3 submitters: Pathogenic (2); Likely pathogenic (1). Last evaluated 2024-11-27.

Conditions:
DHTKD1-related disorder. Also called: DHTKD1-related condition.
2-aminoadipic 2-oxoadipic aciduria (AAKAD). Also called: Aminoadipic aciduria; ALPHA-AMINOADIPIC AND ALPHA-KETOADIPIC ACIDURIA. Identifiers: Orphanet 79154, MedGen C1859817, MONDO:0008774, OMIM 204750.

Allele frequency attached by ClinVar (database versions not stated): ExAC 0.00001; gnomAD exomes 0.00001 and 0.00002; TOPMed 0.00003; gnomAD 0.00005.
gnomAD v4.1: 37 of 1,613,454 alleles (0.0023%); highest among the groups gnomAD compares: East Asian, 0.049%; no homozygotes.

Submissions (3):

Labcorp Genetics (formerly Invitae), Labcorp
Classification: Pathogenic for 2-aminoadipic 2-oxoadipic aciduria. Last evaluated: 2024-11-27. Review status: criteria provided, single submitter. Criteria: Invitae Variant Classification Sherloc (09022015). Collection method: clinical testing. Allele origin: germline.
Comment: This sequence change creates a premature translational stop signal (p.Arg712*) in the DHTKD1 gene. It is expected to result in an absent or disrupted protein product. Loss-of-function variants in DHTKD1 are known to be pathogenic (PMID: 23141293, 25860818). This variant is present in population databases (rs745432268, gnomAD 0.003%). This premature translational stop signal has been observed in individual(s) with alpha-ketoadipic aciduria (PMID: 25860818). ClinVar contains an entry for this variant (Variation ID: 572241). For these reasons, this variant has been classified as Pathogenic.

Revvity Omics, Revvity
Classification: Pathogenic. Last evaluated: 2022-11-30. Review status: criteria provided, single submitter. Criteria: ACMG Guidelines, 2015. Collection method: clinical testing. Allele origin: germline.

Blueprint Genetics
Classification: Likely pathogenic for DHTKD1-related disorders. Last evaluated: 2022-09-23. Review status: criteria provided, single submitter. Criteria: ACMG Guidelines, 2015. Collection method: clinical testing. Allele origin: germline. Affected: yes. Observed: 1 variant allele.

Literature cited by the submitters: PubMed 23141293 (cited by Labcorp Genetics (formerly Invitae), Labcorp); PubMed 25860818 (cited by Labcorp Genetics (formerly Invitae), Labcorp).

NM_018706.7(DHTKD1):c.2134C>T (p.Arg712Ter)

Gene: DHTKD1 (dehydrogenase E1 and transketolase domain containing 1; plus strand). Cytogenetic location: 10p14.
Variant type: single nucleotide variant.
Coding change: c.2134C>T on transcript NM_018706.7 (MANE Select); coding-DNA position 2134, C replaced by T.
Protein change: p.Arg712Ter; replaces arginine 712 with a stop codon.
Molecular consequence: nonsense.
Genome position (GRCh38, 1-based): chr10:12,107,995, C>T. VCF-style: chr10-12107995-C-T. GRCh37 (hg19) VCF-style: chr10-12149994-C-T.
Other names: short protein forms R712*.
Identifiers: ClinVar variation 572241 (VCV000572241.12), dbSNP rs745432268, ClinGen allele CA5408143.